The following is an entry in ClinVar:

NM_002016.2(FLG):c.10400C>T (p.Thr3467Ile)

Genes: FLG (filaggrin; minus strand), CCDST (cervical cancer associated DHX9 suppressive transcript; plus strand). Cytogenetic location: 1q21.3.
Variant type: single nucleotide variant.
Coding change: c.10400C>T on transcript NM_002016.2 (MANE Select); coding-DNA position 10400, C replaced by T.
Protein change: p.Thr3467Ile; replaces threonine 3467 with isoleucine.
Molecular consequence: missense variant.
Genome position (GRCh38, 1-based): chr1:152,304,486, G>A on the plus strand (C>T on the coding strand, the complement: FLG is on the minus strand). VCF-style: chr1-152304486-G-A. GRCh37 (hg19) VCF-style: chr1-152276962-G-A.
Other names: short protein forms T3467I.
Identifiers: ClinVar variation 3376576 (VCV003376576.1).
Genomic context (GRCh38, chr1:152,304,486, plus strand): 5'-CTGCTGGCACTTCTGGATCCTGACTGCCCACGGGAGGCATCAGACCTTCCCTGGGATGTG[G>A]TGTGGCTGTGATGGGACCCTGAGTGTCCAGACCTATCTACCGATTGCTCGTAGTGGGATC-3'
Protein context (NP_002007.1, residues 3457-3477): SGHSGSHHSH[Thr3467Ile]TSQGRSDASR

ClinVar aggregate classification (germline): Uncertain significance (1 of 4 stars; one submission).

Conditions:
Ichthyosis vulgaris. Also called: Dominant ichthyosis vulgaris; ICHTHYOSIS SIMPLEX. Identifiers: MedGen C0079584, MONDO:0024304, OMIM 146700.

gnomAD v4.1: 8 of 1,612,900 alleles (0.0005%); highest among the groups gnomAD compares: Middle Eastern, 0.083%; no homozygotes.

Submission:

Victorian Clinical Genetics Services, Murdoch Childrens Research Institute
Classification: Uncertain significance for Ichthyosis vulgaris. Last evaluated: 2022-02-02. Review status: criteria provided, single submitter. Criteria: ACMG Guidelines, 2015. Collection method: clinical testing. Allele origin: germline. Affected: yes.
Comment: Based on the classification scheme VCGS_Germline_v1.3.4, this variant is classified as VUS-3C. Following criteria are met: 0102 - Loss of function is a known mechanism of disease in this gene and is associated with ichthyosis vulgaris (MIM#146700). (I) 0108 - This gene is associated with both recessive and dominant disease. Biallelic truncating variants tend to result in a more severe condition (PMID: 17291859, PMID: 30681730). (I) 0112 - The condition associated with this gene has incomplete penetrance. Heterozygous carriers are more likely to be asymptomatic than individuals with biallelic mutations (PMID: 17291859, PMID: 30681730). (I) 0200 - Variant is predicted to result in a missense amino acid change from threonine to isoleucine. (I) 0251 - This variant is heterozygous. (I) 0302 - Variant is present in gnomAD (v2) <0.001 for a condition (1 heterozygote, 0 homozygotes). (SP) 0309 - An alternative amino acid change at the same position has been observed in gnomAD (v2, v3) (2 heterozygotes, 0 homozygotes). (I) 0504 - Same amino acid change has been observed in placental mammals. (SB) 0604 - Variant is not located in an established domain, motif, hotspot or informative constraint region. (I) 0705 - No comparable missense variants have previous evidence for pathogenicity. (I) 0807 - This variant has no previous evidence of pathogenicity. (I) 0905 - No published segregation evidence has been identified for this variant. (I) 1007 - No published functional evidence has been identified for this variant. (I) 1208 - Inheritance information for this variant is not currently available in this individual. (I) Legend: (SP) - Supporting pathogenic, (I) - Information, (SB) - Supporting benign

Literature cited by the submitters: PubMed 17291859; PubMed 30681730.